The following is an entry in ClinVar:

NM_153460.4(IL17RC):c.2005C>A (p.Pro669Thr)

Gene: IL17RC (interleukin 17 receptor C; plus strand). Cytogenetic location: 3p25.3.
Variant type: single nucleotide variant.
Coding change: c.2005C>A on transcript NM_153460.4 (MANE Select); coding-DNA position 2005, C replaced by A.
Protein change: p.Pro669Thr; replaces proline 669 with threonine.
Molecular consequence: missense variant. On other transcripts: non-coding transcript variant (1).
Genome position (GRCh38, 1-based): chr3:9,933,435, C>A. VCF-style: chr3-9933435-C-A. GRCh37 (hg19) VCF-style: chr3-9975119-C-A.
Other names: c.1966C>A, p.Pro656Thr (NM_001203263.2); c.1915C>A, p.Pro639Thr (NM_001203264.2); c.1909C>A, p.Pro637Thr (NM_001203265.2); c.1927C>A, p.Pro643Thr (NM_001367278.1); c.1846C>A, p.Pro616Thr (NM_001367279.1); c.1921C>A, p.Pro641Thr (NM_001367280.1); c.1870C>A, p.Pro624Thr (NM_001410711.1); c.1960C>A, p.Pro654Thr (NM_032732.6); and 1 more; short protein forms P637T, P616T, P639T, P654T, P624T, P643T, P669T, P641T.
Identifiers: ClinVar variation 4777551 (VCV004777551.1).
Genomic context (GRCh38, chr3:9,933,435, plus strand): 5'-ACCGTGCCCGTCTTCACACTGCCCTCCCAACTGCCAGACTTCCTGGGGGCCCTGCAGCAG[C>A]CTCGCGCCCCGCGTTCCGGGCGGCTCCAAGAGAGAGCGGAGCAAGTGTCCCGGGCCCTTC-3'
Protein context (NP_703190.2, residues 659-679): LPDFLGALQQ[Pro669Thr]RAPRSGRLQE

ClinVar aggregate classification (germline): Uncertain significance (1 of 4 stars; one submission).

Conditions:
Candidiasis, familial, 9 (CANDF9). Identifiers: Orphanet 1334, MedGen C4225324, MONDO:0014642, OMIM 616445.

gnomAD v4.1: 2 of 1,613,194 alleles (0.00012%); highest among the groups gnomAD compares: African/African-American, 0.0013%; no homozygotes.

Submission:

Labcorp Genetics (formerly Invitae), Labcorp
Classification: Uncertain significance for Candidiasis, familial, 9. Last evaluated: 2025-02-03. Review status: criteria provided, single submitter. Criteria: Invitae Variant Classification Sherloc (09022015). Collection method: clinical testing. Allele origin: germline.
Comment: This sequence change replaces proline, which is neutral and non-polar, with threonine, which is neutral and polar, at codon 740 of the IL17RC protein (p.Pro740Thr). This variant is not present in population databases (gnomAD no frequency). This variant has not been reported in the literature in individuals affected with IL17RC-related conditions. An algorithm developed to predict the effect of missense changes on protein structure and function (PolyPhen-2) suggests that this variant is likely to be disruptive. In summary, the available evidence is currently insufficient to determine the role of this variant in disease. Therefore, it has been classified as a Variant of Uncertain Significance.